The following is an entry in ClinVar:

ClinVar aggregate classification (germline): Uncertain significance. Review status: criteria provided, multiple submitters, no conflicts (2 of 4 stars). 2 submissions from 2 submitters: Uncertain significance (2). Last evaluated 2026-04-16.

Conditions:
Duchenne muscular dystrophy (DMD). Also called: MUSCULAR DYSTROPHY, PSEUDOHYPERTROPHIC PROGRESSIVE, DUCHENNE TYPE; Duchenne Muscular Dystrophy (DMD). Identifiers: Orphanet 98896, MedGen C0013264, MONDO:0010679, OMIM 310200.
Cardiovascular phenotype. Identifiers: MedGen CN230736.

Allele frequency attached by ClinVar (database versions not stated): gnomAD exomes below 0.00001; gnomAD 0.00002; TOPMed 0.00002.
gnomAD v4.1: 3 of 1,210,906 alleles (0.00025%); highest among the groups gnomAD compares: African/African-American, 0.0052%; no homozygotes.

Submissions (2):

Ambry Genetics
Classification: Uncertain significance for Cardiovascular phenotype. Last evaluated: 2026-04-16. Review status: criteria provided, single submitter. Criteria: Ambry Variant Classification Scheme 2023. Collection method: clinical testing. Allele origin: germline.

Labcorp Genetics (formerly Invitae), Labcorp
Classification: Uncertain significance for Duchenne muscular dystrophy. Last evaluated: 2025-06-24. Review status: criteria provided, single submitter. Criteria: Invitae Variant Classification Sherloc (09022015). Collection method: clinical testing. Allele origin: germline.
Comment: This sequence change replaces glycine, which is neutral and non-polar, with serine, which is neutral and polar, at codon 2836 of the DMD protein (p.Gly2836Ser). This variant is present in population databases (no rsID available, gnomAD 0.008%). This variant has not been reported in the literature in individuals affected with DMD-related conditions. ClinVar contains an entry for this variant (Variation ID: 1763667). Invitae Evidence Modeling of protein sequence and biophysical properties (such as structural, functional, and spatial information, amino acid conservation, physicochemical variation, residue mobility, and thermodynamic stability) indicates that this missense variant is not expected to disrupt DMD protein function with a negative predictive value of 95%. In summary, the available evidence is currently insufficient to determine the role of this variant in disease. Therefore, it has been classified as a Variant of Uncertain Significance.

NM_004006.3(DMD):c.8506G>A (p.Gly2836Ser)

Gene: DMD (dystrophin; minus strand). Cytogenetic location: Xp21.2.
Variant type: single nucleotide variant.
Coding change: c.8506G>A on transcript NM_004006.3 (MANE Select); coding-DNA position 8506, G replaced by A.
Protein change: p.Gly2836Ser; replaces glycine 2836 with serine.
Molecular consequence: missense variant.
Genome position (GRCh38, 1-based): chrX:31,496,829, C>T on the plus strand (G>A on the coding strand, the complement: DMD is on the minus strand). VCF-style: chrX-31496829-C-T. GRCh37 (hg19) VCF-style: chrX-31514946-C-T.
Other names: c.8482G>A, p.Gly2828Ser (NM_000109.4); c.8494G>A, p.Gly2832Ser (NM_004009.3); c.8137G>A, p.Gly2713Ser (NM_004010.3); c.4483G>A, p.Gly1495Ser (NM_004011.4); c.4474G>A, p.Gly1492Ser (NM_004012.4); c.1126G>A, p.Gly376Ser (NM_004013.3, NM_004020.4, NM_004021.3 and 2 more transcripts); c.319G>A, p.Gly107Ser (NM_004014.3); short protein forms G2713S, G1492S, G1495S, G2832S, G376S, G107S, G2828S, G2836S.
Identifiers: ClinVar variation 1763667 (VCV001763667.4), dbSNP rs1455291550, ClinGen allele CA412655442.